The following is an entry in ClinVar:

ClinVar aggregate classification (germline): Benign/Likely benign. Review status: criteria provided, multiple submitters, no conflicts (2 of 4 stars). 8 submissions from 8 submitters: Benign (6); Likely benign (1). 1 of the submissions does not count toward it. Last evaluated 2026-05-22.

Conditions:
Ellis-van Creveld syndrome (EVC). Also called: Chondroectodermal dysplasia; MESOECTODERMAL DYSPLASIA. Identifiers: Orphanet 289, MedGen C0013903, MONDO:0009162, OMIM 225500.
Curry-Hall syndrome (WAD). Also called: WEYERS ACRODENTAL DYSOSTOSIS. Identifiers: Orphanet 952, MedGen C0457013, MONDO:0008673, OMIM 193530.

Allele frequency attached by ClinVar (database versions not stated): 1000 Genomes Project 0.01358; gnomAD exomes 0.00283; ExAC 0.00323; gnomAD 0.01088 and 0.01159; ESP Exome Variant Server 0.01261; TOPMed 0.01194; 1000 Genomes Project 30x 0.01546.
gnomAD v4.1: 3,357 of 1,614,174 alleles (0.21%); highest among the groups gnomAD compares: African/African-American, 3.8%; 51 homozygotes.

Submissions (8):

Women's Health and Genetics/Laboratory Corporation of America, LabCorp
Classification: Benign. Last evaluated: 2026-05-22. Review status: criteria provided, single submitter. Criteria: LabCorp Variant Classification Summary - May 2015. Collection method: clinical testing. Allele origin: germline.
Comment: Variant summary: EVC c.2363G>A (p.Arg788His) results in a non-conservative amino acid change in the encoded protein sequence. Algorithms developed to predict the effect of missense changes on protein structure and function are either unavailable or do not agree on the potential impact of this missense change. The variant allele was found at a frequency of 0.0021 in 1614174 control chromosomes, predominantly at a frequency of 0.038 within the African or African-American subpopulation in the gnomAD database, including 50 homozygotes. The observed variant frequency within African or African-American control individuals in the gnomAD database exceeds the estimated maximal expected allele frequency for disease-causing variants in EVC. To our knowledge, no occurrence of c.2363G>A in individuals affected with EVC-related conditions and no experimental evidence demonstrating its impact on protein function have been reported. ClinVar contains an entry for this variant (Variation ID: 349200). Based on the evidence outlined above, the variant was classified as benign.

Labcorp Genetics (formerly Invitae), Labcorp
Classification: Benign for Curry-Hall syndrome; Ellis-van Creveld syndrome. Last evaluated: 2026-01-28. Review status: criteria provided, single submitter. Criteria: Invitae Variant Classification Sherloc (09022015). Collection method: clinical testing. Allele origin: germline.

ARUP Laboratories, Molecular Genetics and Genomics, ARUP Laboratories
Classification: Benign. Last evaluated: 2024-09-30. Review status: criteria provided, single submitter. Criteria: ARUP Molecular Germline Variant Investigation Process 2024. Collection method: clinical testing. Allele origin: germline.

Fulgent Genetics
Classification: Likely benign for Curry-Hall syndrome; Ellis-van Creveld syndrome. Last evaluated: 2022-05-03. Review status: criteria provided, single submitter. Criteria: ACMG Guidelines, 2015. Collection method: clinical testing. Allele origin: unknown.

GeneDx
Classification: Benign. Last evaluated: 2018-08-20. Review status: criteria provided, single submitter. Criteria: GeneDx Variant Classification Process June 2021. Collection method: clinical testing. Allele origin: germline. Affected: yes.

Illumina Laboratory Services, Illumina
Classification: Benign for Ellis-van Creveld syndrome. Last evaluated: 2018-01-12. Review status: criteria provided, single submitter. Criteria: ICSL Variant Classification Criteria 13 December 2019. Collection method: clinical testing. Allele origin: germline.
Comment: This variant was observed in the ICSL laboratory as part of a predisposition screen in an ostensibly healthy population. It had not been previously curated by ICSL or reported in the Human Gene Mutation Database (HGMD: prior to June 1st, 2018), and was therefore a candidate for classification through an automated scoring system. Utilizing variant allele frequency, disease prevalence and penetrance estimates, and inheritance mode, an automated score was calculated to assess if this variant is too frequent to cause the disease. Based on the score and internal cut-off values, a variant classified as benign is not then subjected to further curation. The score for this variant resulted in a classification of benign for this disease.

Breakthrough Genomics
Classification: Benign. Review status: criteria provided, single submitter. Criteria: ACMG Guidelines, 2015. Collection method: not provided. Allele origin: germline. Inheritance: Autosomal recessive inheritance. Affected: yes.

Natera, Inc.
Classification: Benign for Ellis-van Creveld syndrome. Last evaluated: 2020-09-16. Review status: no assertion criteria provided. Collection method: clinical testing. Allele origin: germline. Not counted in ClinVar's aggregate classification.

NM_153717.3(EVC):c.2363G>A (p.Arg788His)

Gene: EVC (EvC ciliary complex subunit 1; plus strand). Cytogenetic location: 4p16.2.
Variant type: single nucleotide variant.
Coding change: c.2363G>A on transcript NM_153717.3 (MANE Select); coding-DNA position 2363, G replaced by A.
Protein change: p.Arg788His; replaces arginine 788 with histidine.
Molecular consequence: missense variant.
Genome position (GRCh38, 1-based): chr4:5,802,008, G>A. VCF-style: chr4-5802008-G-A. GRCh37 (hg19) VCF-style: chr4-5803735-G-A.
Other names: c.2363G>A, p.Arg788His (NM_001306090.2); short protein forms R788H.
Identifiers: ClinVar variation 349200 (VCV000349200.31), dbSNP rs73795088, ClinGen allele CA2836476.